The following is an entry in ClinVar:

ClinVar aggregate classification (germline): Uncertain significance (1 of 4 stars; one submission).

Conditions:
Bardet-Biedl syndrome (BBS). Identifiers: Orphanet 110, MedGen C0752166, MONDO:0015229.

Allele frequency attached by ClinVar (database versions not stated): ExAC 0.00001; gnomAD exomes 0.00001 and 0.00002.
gnomAD v4.1: 6 of 1,614,186 alleles (0.00037%); highest among the groups gnomAD compares: Admixed American, 0.0083%; no homozygotes.

Submission:

Labcorp Genetics (formerly Invitae), Labcorp
Classification: Uncertain significance for Bardet-Biedl syndrome. Last evaluated: 2024-10-15. Review status: criteria provided, single submitter. Criteria: Invitae Variant Classification Sherloc (09022015). Collection method: clinical testing. Allele origin: germline.
Comment: This sequence change replaces glutamic acid, which is acidic and polar, with glycine, which is neutral and non-polar, at codon 29 of the TRIM32 protein (p.Glu29Gly). This variant is present in population databases (rs757842932, gnomAD 0.01%). This variant has not been reported in the literature in individuals affected with TRIM32-related conditions. ClinVar contains an entry for this variant (Variation ID: 1447219). An algorithm developed to predict the effect of missense changes on protein structure and function (PolyPhen-2) suggests that this variant is likely to be disruptive. In summary, the available evidence is currently insufficient to determine the role of this variant in disease. Therefore, it has been classified as a Variant of Uncertain Significance.

NM_012210.4(TRIM32):c.86A>G (p.Glu29Gly)

Genes: ASTN2 (astrotactin 2; minus strand), TRIM32 (tripartite motif containing 32; plus strand). Cytogenetic location: 9q33.1.
Variant type: single nucleotide variant.
Coding change: c.86A>G on transcript NM_012210.4 (MANE Select); coding-DNA position 86, A replaced by G.
Protein change: p.Glu29Gly; replaces glutamic acid 29 with glycine.
Molecular consequence: missense variant. On other transcripts: intron variant (3).
Genome position (GRCh38, 1-based): chr9:116,697,828, A>G. VCF-style: chr9-116697828-A-G. GRCh37 (hg19) VCF-style: chr9-119460107-A-G.
Other names: c.86A>G, p.Glu29Gly (NM_001099679.2, NM_001379048.1, NM_001379049.1 and 1 more transcripts); c.2653+27943T>C (NM_014010.5); c.2794+27943T>C (NM_001365069.1); c.2806+27943T>C (NM_001365068.1); short protein forms E29G.
Identifiers: ClinVar variation 1447219 (VCV001447219.5), dbSNP rs757842932, ClinGen allele CA5210898.